The following is an entry in ClinVar:

NM_000037.4(ANK1):c.5413A>C (p.Ile1805Leu)

Gene: ANK1 (ankyrin 1; minus strand). Cytogenetic location: 8p11.21.
Variant type: single nucleotide variant.
Coding change: c.5413A>C on transcript NM_000037.4 (MANE Select); coding-DNA position 5413, A replaced by C.
Protein change: p.Ile1805Leu; replaces isoleucine 1805 with leucine.
Molecular consequence: missense variant.
Genome position (GRCh38, 1-based): chr8:41,663,724, T>G on the plus strand (A>C on the coding strand, the complement: ANK1 is on the minus strand). VCF-style: chr8-41663724-T-G. GRCh37 (hg19) VCF-style: chr8-41521242-T-G.
Other names: c.238A>C, p.Ile80Leu (NM_001142445.2, NM_020478.5, NM_020480.5); c.5536A>C, p.Ile1846Leu (NM_001142446.2); c.5413A>C, p.Ile1805Leu (NM_020475.3, NM_020476.3); c.4927A>C, p.Ile1643Leu (NM_020477.3); short protein forms I1643L, I80L, I1805L, I1846L.
Identifiers: ClinVar variation 3681147 (VCV003681147.2).
Genomic context (GRCh38, chr8:41,663,724, plus strand): 5'-TGGTGACAATGTTGCCCTGCTCATCCGTGAATTGCTCCTCTGTCACCTGCTCCCCTGGAA[T>G]ATTCTGAAACTCATTCCCCTGGAATTAGAGAAAGGGAGAAAATGCAAGATTGGTGAGTGG-3'
Protein context (NP_000028.3, residues 1795-1815): QVVQGNEFQN[Ile1805Leu]PGEQVTEEQF

ClinVar aggregate classification (germline): Uncertain significance (1 of 4 stars; one submission).

gnomAD v4.1: 2 of 1,613,948 alleles (0.00012%); highest among the groups gnomAD compares: Non-Finnish European, 0.00017%; no homozygotes.

Submission:

Labcorp Genetics (formerly Invitae), Labcorp
Classification: Uncertain significance. Last evaluated: 2024-08-30. Review status: criteria provided, single submitter. Criteria: Invitae Variant Classification Sherloc (09022015). Collection method: clinical testing. Allele origin: germline.
Comment: This sequence change replaces isoleucine, which is neutral and non-polar, with leucine, which is neutral and non-polar, at codon 1805 of the ANK1 protein (p.Ile1805Leu). This variant is not present in population databases (gnomAD no frequency). This variant has not been reported in the literature in individuals affected with ANK1-related conditions. An algorithm developed to predict the effect of missense changes on protein structure and function (PolyPhen-2) suggests that this variant is likely to be tolerated. In summary, the available evidence is currently insufficient to determine the role of this variant in disease. Therefore, it has been classified as a Variant of Uncertain Significance.